The following is an entry in ClinVar:

NM_001277115.2(DNAH11):c.4099A>G (p.Ile1367Val)

Gene: DNAH11 (dynein axonemal heavy chain 11; plus strand). Cytogenetic location: 7p15.3.
Variant type: single nucleotide variant.
Coding change: c.4099A>G on transcript NM_001277115.2 (MANE Select); coding-DNA position 4099, A replaced by G.
Protein change: p.Ile1367Val; replaces isoleucine 1367 with valine.
Molecular consequence: missense variant.
Genome position (GRCh38, 1-based): chr7:21,617,622, A>G. VCF-style: chr7-21617622-A-G. GRCh37 (hg19) VCF-style: chr7-21657240-A-G.
Other names: short protein forms I1367V.
Identifiers: ClinVar variation 1411430 (VCV001411430.8), dbSNP rs2128453076, ClinGen allele CA366951986.

ClinVar aggregate classification (germline): Uncertain significance (1 of 4 stars; one submission).

Conditions:
Primary ciliary dyskinesia. Also called: Ciliary dyskinesia. Identifiers: Orphanet 244, MedGen C0008780, MONDO:0016575, HP:0012265.

Allele frequency attached by ClinVar (database versions not stated): gnomAD exomes 0.00001.
gnomAD v4.1: 11 of 1,613,664 alleles (0.00068%); highest among the groups gnomAD compares: Non-Finnish European, 0.00093%; no homozygotes.

Submission:

Labcorp Genetics (formerly Invitae), Labcorp
Classification: Uncertain significance for Primary ciliary dyskinesia. Last evaluated: 2021-03-29. Review status: criteria provided, single submitter. Criteria: Invitae Variant Classification Sherloc (09022015). Collection method: clinical testing. Allele origin: germline.
Comment: This sequence change replaces isoleucine with valine at codon 1367 of the DNAH11 protein (p.Ile1367Val). The isoleucine residue is moderately conserved and there is a small physicochemical difference between isoleucine and valine. This variant is not present in population databases (ExAC no frequency). This variant has not been reported in the literature in individuals with DNAH11-related conditions. Advanced modeling of protein sequence and biophysical properties (such as structural, functional, and spatial information, amino acid conservation, physicochemical variation, residue mobility, and thermodynamic stability) performed at Invitae indicates that this missense variant is not expected to disrupt DNAH11 protein function. In summary, the available evidence is currently insufficient to determine the role of this variant in disease. Therefore, it has been classified as a Variant of Uncertain Significance.